The following is an entry in ClinVar:

ClinVar aggregate classification (germline): Likely benign. Review status: criteria provided, multiple submitters, no conflicts (2 of 4 stars). 2 submissions from 2 submitters: Likely benign (2). Last evaluated 2026-06-01.

Allele frequency attached by ClinVar (database versions not stated): gnomAD exomes 0.00013 and 0.00021; ESP Exome Variant Server 0.00015; 1000 Genomes Project 0.00020; ExAC 0.00022; gnomAD 0.00026 and 0.00027; 1000 Genomes Project 30x 0.00031; TOPMed 0.00038.
gnomAD v4.1: 242 of 1,613,924 alleles (0.015%); highest among the groups gnomAD compares: Middle Eastern, 0.083%; no homozygotes.

Submissions (2):

CeGaT Center for Human Genetics Tuebingen
Classification: Likely benign. Last evaluated: 2026-06-01. Review status: criteria provided, single submitter. Criteria: CeGaT Center For Human Genetics Tuebingen Variant Classification Criteria Version 2. Collection method: clinical testing. Allele origin: germline. Affected: yes. Observed: 2 variant alleles.
Comment: SRRM2: BP4, BP7

Labcorp Genetics (formerly Invitae), Labcorp
Classification: Likely benign. Last evaluated: 2018-03-29. Review status: criteria provided, single submitter. Criteria: Invitae Variant Classification Sherloc (09022015). Collection method: clinical testing. Allele origin: germline.

NM_016333.4(SRRM2):c.816C>T (p.Ser272=)

Gene: SRRM2 (serine/arginine repetitive matrix 2; plus strand). Cytogenetic location: 16p13.3.
Variant type: single nucleotide variant.
Coding change: c.816C>T on transcript NM_016333.4 (MANE Select); coding-DNA position 816, C replaced by T.
Protein change: p.Ser272=; no amino-acid change (serine 272 retained).
Molecular consequence: synonymous variant.
Genome position (GRCh38, 1-based): chr16:2,759,644, C>T. VCF-style: chr16-2759644-C-T. GRCh37 (hg19) VCF-style: chr16-2809645-C-T.
Identifiers: ClinVar variation 735445 (VCV000735445.27), dbSNP rs371659656, ClinGen allele CA7847012.